The following is an entry in ClinVar:

NM_004621.6(TRPC6):c.2605C>T (p.Gln869Ter)

Gene: TRPC6 (transient receptor potential cation channel subfamily C member 6; minus strand). Cytogenetic location: 11q22.1.
Variant type: single nucleotide variant.
Coding change: c.2605C>T on transcript NM_004621.6 (MANE Select); coding-DNA position 2605, C replaced by T.
Protein change: p.Gln869Ter; replaces glutamine 869 with a stop codon.
Molecular consequence: nonsense.
Genome position (GRCh38, 1-based): chr11:101,453,689, G>A on the plus strand (C>T on the coding strand, the complement: TRPC6 is on the minus strand). VCF-style: chr11-101453689-G-A. GRCh37 (hg19) VCF-style: chr11-101324420-G-A.
Other names: short protein forms Q869*.
Identifiers: ClinVar variation 994835 (VCV000994835.2), dbSNP rs1858817266, ClinGen allele CA382487193.

ClinVar aggregate classification (germline): Pathogenic/Likely pathogenic. Review status: criteria provided, multiple submitters, no conflicts (2 of 4 stars). 2 submissions from 2 submitters: Pathogenic (1); Likely pathogenic (1). Last evaluated 2020-03-18.

Conditions:
TRPC6-related disorder. Also called: TRPC6-related condition.

Submissions (2):

Athena Diagnostics
Classification: Pathogenic. Last evaluated: 2020-03-18. Review status: criteria provided, single submitter. Criteria: Athena Diagnostics Criteria. Collection method: clinical testing. Allele origin: unknown.
Comment: The variant creates a premature nonsense codon, and is therefore predicted to result in the loss of a functional protein. Found in at least one patient with expected phenotype for this gene, and not found in general population data.

Blueprint Genetics
Classification: Likely pathogenic for TRPC6-related disorders. Last evaluated: 2020-03-05. Review status: criteria provided, single submitter. Criteria: ACMG Guidelines, 2015. Collection method: clinical testing. Allele origin: germline. Affected: yes. Observed: 1 variant allele.

Literature cited by the submitters: PubMed 25349199 (cited by Athena Diagnostics).